The following is an entry in ClinVar:

NM_001034853.2(RPGR):c.202G>A (p.Gly68Arg)

Gene: RPGR (retinitis pigmentosa GTPase regulator; minus strand). Cytogenetic location: Xp11.4.
Variant type: single nucleotide variant.
Coding change: c.202G>A on transcript NM_001034853.2 (MANE Select); coding-DNA position 202, G replaced by A.
Protein change: p.Gly68Arg; replaces glycine 68 with arginine.
Molecular consequence: missense variant. On other transcripts: non-coding transcript variant (6).
Genome position (GRCh38, 1-based): chrX:38,322,898, C>T on the plus strand (G>A on the coding strand, the complement: RPGR is on the minus strand). VCF-style: chrX-38322898-C-T. GRCh37 (hg19) VCF-style: chrX-38182151-C-T.
Other names: c.202G>A, p.Gly68Arg (NM_000328.3, NM_001367245.1, NM_001367246.1 and 4 more transcripts); c.202G>A (NM_001034853.1); c.232G>A, p.Gly78Arg (NM_001367248.1); short protein forms G68R, G78R.
Identifiers: ClinVar variation 2737200 (VCV002737200.4), dbSNP rs1601982516, ClinGen allele CA412745596.
Genomic context (GRCh38, chrX:38,322,898, plus strand): 5'-AAAAAGATCCCAAACCTTTGACACATGTTGGCTTGCTGATGGCTGACTTTGATCCTAATC[C>T]TAACTGACCCCAGTTGTTACTGCCAAACATGTAAAGTTTATTATTTCCTGGTAGGAGGGA-3'
Protein context (NP_001030025.1, residues 58-78): MFGSNNWGQL[Gly68Arg]LGSKSAISKP

ClinVar aggregate classification (germline): Pathogenic/Likely pathogenic. Review status: criteria provided, multiple submitters, no conflicts (2 of 4 stars). 2 submissions from 2 submitters: Pathogenic (1); Likely pathogenic (1). Last evaluated 2026-08-13.

Conditions:
RPGR-related disorder. Also called: RPGR-related condition.
Primary ciliary dyskinesia. Also called: Ciliary dyskinesia. Identifiers: Orphanet 244, MedGen C0008780, MONDO:0016575, HP:0012265.

Submissions (2):

PreventionGenetics, part of Exact Sciences
Classification: Likely pathogenic for RPGR-related condition. Last evaluated: 2026-08-13. Review status: criteria provided, single submitter. Criteria: ACMG Guidelines, 2015. Collection method: clinical testing. Allele origin: germline.
Comment: The RPGR c.202G>A variant is predicted to result in the amino acid substitution p.Gly68Arg. This variant has been reported in the hemizygous state in at least two individuals with retinitis pigmentosa (Cabral et al. 2020. PubMed ID: 32326409; Table S4, Panneman et al. 2023. PubMed ID: 36819107). This variant has also been reported in the heterozygous state in an individual who displayed a mosaic pattern of cone disruption (Pyo Park et al. 2013. PubMed ID: 23443027). This missense variant is predicted to be damaging to the encoded protein (REVEL score >0.773, Ioannidis et al. 2016. PubMed ID: 27666373). This variant is absent in a large population database (gnomAD), indicating this variant is rare. This variant is interpreted as likely pathogenic.

Labcorp Genetics (formerly Invitae), Labcorp
Classification: Pathogenic for Primary ciliary dyskinesia. Last evaluated: 2025-08-21. Review status: criteria provided, single submitter. Criteria: Invitae Variant Classification Sherloc (09022015). Collection method: clinical testing. Allele origin: germline.
Comment: This sequence change replaces glycine, which is neutral and non-polar, with arginine, which is basic and polar, at codon 68 of the RPGR protein (p.Gly68Arg). This variant is not present in population databases (gnomAD no frequency). This missense change has been observed in individuals with clinical features of retinitis pigmentosa (PMID: 23443027, 31456290, 32326409, 36819107). ClinVar contains an entry for this variant (Variation ID: 2737200). Invitae Evidence Modeling of protein sequence and biophysical properties (such as structural, functional, and spatial information, amino acid conservation, physicochemical variation, residue mobility, and thermodynamic stability) indicates that this missense variant is expected to disrupt RPGR protein function with a positive predictive value of 95%. This variant disrupts the p.Gly68 amino acid residue in RPGR. Other variant(s) that disrupt this residue have been observed in individuals with RPGR-related conditions (PMID: 31456290; internal data), which suggests that this may be a clinically significant amino acid residue. For these reasons, this variant has been classified as Pathogenic.

Literature cited by the submitters: PubMed 23443027 (cited by Labcorp Genetics (formerly Invitae), Labcorp); PubMed 31456290 (cited by Labcorp Genetics (formerly Invitae), Labcorp); PubMed 32326409 (cited by Labcorp Genetics (formerly Invitae), Labcorp); PubMed 36819107 (cited by Labcorp Genetics (formerly Invitae), Labcorp).